The following is an entry in ClinVar:

ClinVar aggregate classification (germline): Likely benign. Review status: criteria provided, multiple submitters, no conflicts (2 of 4 stars). 5 submissions from 5 submitters: Likely benign (4). 1 of the submissions does not count toward it. Last evaluated 2025-07-29.

Conditions:
Familial thoracic aortic aneurysm and aortic dissection (TAAD). Also called: Thoracic aortic aneurysms and dissections. Identifiers: Orphanet 91387, MedGen C4707243, MONDO:0019625.
Congenital contractural arachnodactyly (CCA). Also called: Beals-Hecht syndrome; BEALS SYNDROME; Arthrogryposis, distal, type 9. Identifiers: Orphanet 115, MedGen C0220668, MONDO:0007363, OMIM 121050.
FBN2-related disorder. Also called: FBN2-related condition.

Allele frequency attached by ClinVar (database versions not stated): gnomAD exomes below 0.00001; TOPMed below 0.00001.
gnomAD v4.1: 6 of 1,613,624 alleles (0.00037%); highest among the groups gnomAD compares: Non-Finnish European, 0.00051%; no homozygotes.

Submissions (5):

Ambry Genetics
Classification: Likely benign for Familial thoracic aortic aneurysm and aortic dissection. Last evaluated: 2025-07-29. Review status: criteria provided, single submitter. Criteria: Ambry Variant Classification Scheme 2023. Collection method: clinical testing. Allele origin: germline.

Labcorp Genetics (formerly Invitae), Labcorp
Classification: Likely benign for Congenital contractural arachnodactyly. Last evaluated: 2023-10-13. Review status: criteria provided, single submitter. Criteria: Invitae Variant Classification Sherloc (09022015). Collection method: clinical testing. Allele origin: germline.

Blueprint Genetics
Classification: Likely benign. Last evaluated: 2023-04-18. Review status: criteria provided, single submitter. Criteria: ACMG Guidelines, 2015. Collection method: clinical testing. Allele origin: germline.

GeneDx
Classification: Likely benign. Last evaluated: 2019-04-25. Review status: criteria provided, single submitter. Criteria: GeneDx Variant Classification Process June 2021. Collection method: clinical testing. Allele origin: germline. Affected: yes.
Comment: Has not been previously published as pathogenic or benign to our knowledge

PreventionGenetics, part of Exact Sciences
Classification: Likely benign for FBN2-related condition. Last evaluated: 2021-04-29. Review status: no assertion criteria provided. Collection method: clinical testing. Allele origin: germline. Not counted in ClinVar's aggregate classification.
Comment: This variant is classified as likely benign based on ACMG/AMP sequence variant interpretation guidelines (Richards et al. 2015 PMID: 25741868, with internal and published modifications).

NM_001999.4(FBN2):c.4563T>C (p.Tyr1521=)

Gene: FBN2 (fibrillin 2; minus strand). Cytogenetic location: 5q23.3.
Variant type: single nucleotide variant.
Coding change: c.4563T>C on transcript NM_001999.4 (MANE Select); coding-DNA position 4563, T replaced by C.
Protein change: p.Tyr1521=; no amino-acid change (tyrosine 1521 retained).
Molecular consequence: synonymous variant.
Genome position (GRCh38, 1-based): chr5:128,318,910, A>G on the plus strand (T>C on the coding strand, the complement: FBN2 is on the minus strand). VCF-style: chr5-128318910-A-G. GRCh37 (hg19) VCF-style: chr5-127654602-A-G.
Identifiers: ClinVar variation 1264519 (VCV001264519.11), dbSNP rs1434367982, ClinGen allele CA446308394.